The following is an entry in ClinVar:

ClinVar aggregate classification (germline): Uncertain significance. Review status: criteria provided, multiple submitters, no conflicts (2 of 4 stars). 2 submissions from 2 submitters: Uncertain significance (2). Last evaluated 2021-05-21.

Conditions:
Hypotonia, infantile, with psychomotor retardation and characteristic facies 2 (IHPRF2). Also called: UNC80 Deficiency. Identifiers: Orphanet 371364, Orphanet 700333, MedGen C4225203, MONDO:0014777, OMIM 616801.

gnomAD v4.1: 2 of 1,614,170 alleles (0.00012%); highest among the groups gnomAD compares: Non-Finnish European, 0.000085%; no homozygotes.

Submissions (2):

Breda Genetics srl
Classification: Uncertain significance for Hypotonia, infantile, with psychomotor retardation and characteristic facies 2. Last evaluated: 2021-05-21. Review status: criteria provided, single submitter. Criteria: ACMG Guidelines, 2015. Collection method: clinical testing. Allele origin: germline. Inheritance: Autosomal recessive inheritance. Affected: yes. Observed: 1 variant allele, 1 heterozygote.
Comment: the variant c.416C>T (p.Ser139Phe) in the UNC80 gene has not reported in the dbSNP, gnomAD, or ClinVar databases. The nucleotide position is highly conserved across 35 mammalian species (GERP RS: 6.08). In silico analysis gives inconsistent results.

Revvity Omics, Revvity
Classification: Uncertain significance for Hypotonia, infantile, with psychomotor retardation and characteristic facies 2. Last evaluated: 2020-03-14. Review status: criteria provided, single submitter. Criteria: ACMG Guidelines, 2015. Collection method: clinical testing. Allele origin: germline.

NM_001371986.1(UNC80):c.416C>T (p.Ser139Phe)

Gene: UNC80 (unc-80 subunit of NALCN channel complex; plus strand). Cytogenetic location: 2q34.
Variant type: single nucleotide variant.
Coding change: c.416C>T on transcript NM_001371986.1 (MANE Select); coding-DNA position 416, C replaced by T.
Protein change: p.Ser139Phe; replaces serine 139 with phenylalanine.
Molecular consequence: missense variant.
Genome position (GRCh38, 1-based): chr2:209,777,375, C>T. VCF-style: chr2-209777375-C-T. GRCh37 (hg19) VCF-style: chr2-210642099-C-T.
Other names: c.416C>T, p.Ser139Phe (NM_032504.2, NM_182587.4); short protein forms S139F.
Identifiers: ClinVar variation 1299434 (VCV001299434.4), dbSNP rs1237674284, ClinGen allele CA350131147.
Genomic context (GRCh38, chr2:209,777,375, plus strand): 5'-TGCTTCTGGAGGCCCCCCAGGACTGCAACAATGAGCGGTTTGGGGGTACAGACCGAGGCT[C>T]CAGCTGGGGTGGAAGCAGCAGTGCTTTCATCCACCAGGTTGAAAACCAGGGTTCTCCAGG-3'
Protein context (NP_001358915.1, residues 129-149): NERFGGTDRG[Ser139Phe]SWGGSSSAFI